The following is an entry in ClinVar:

ClinVar aggregate classification (germline): Conflicting classifications of pathogenicity. Review status: criteria provided, conflicting classifications (1 of 4 stars). 2 submissions from 2 submitters: Uncertain significance (1); Likely benign (1). Last evaluated 2026-07-15.

Conditions:
Cardiovascular phenotype. Identifiers: MedGen CN230736.
SCN10A-related disorder. Also called: SCN10A-related condition.

Allele frequency attached by ClinVar (database versions not stated): gnomAD 0.00001; ExAC 0.00002; gnomAD exomes 0.00003; 1000 Genomes Project 30x 0.00016; 1000 Genomes Project 0.00020.
gnomAD v4.1: 21 of 1,613,804 alleles (0.0013%); highest among the groups gnomAD compares: East Asian, 0.042%; no homozygotes.

Submissions (2):

PreventionGenetics, part of Exact Sciences
Classification: Uncertain significance for SCN10A-related condition. Last evaluated: 2026-07-15. Review status: criteria provided, single submitter. Criteria: ACMG Guidelines, 2015. Collection method: clinical testing. Allele origin: germline.
Comment: The SCN10A c.727G>A variant is predicted to result in the amino acid substitution p.Val243Met. To our knowledge, this variant has not been reported in the literature. This variant is reported in 0.016% of alleles in individuals of East Asian descent in gnomAD. At this time, the clinical significance of this variant is uncertain due to the absence of conclusive functional and genetic evidence.

Ambry Genetics
Classification: Likely benign for Cardiovascular phenotype. Last evaluated: 2025-04-11. Review status: criteria provided, single submitter. Criteria: Ambry Variant Classification Scheme 2023. Collection method: clinical testing. Allele origin: germline.

NM_006514.4(SCN10A):c.727G>A (p.Val243Met)

Gene: SCN10A (sodium voltage-gated channel alpha subunit 10; minus strand). Cytogenetic location: 3p22.2.
Variant type: single nucleotide variant.
Coding change: c.727G>A on transcript NM_006514.4 (MANE Select); coding-DNA position 727, G replaced by A.
Protein change: p.Val243Met; replaces valine 243 with methionine.
Molecular consequence: missense variant.
Genome position (GRCh38, 1-based): chr3:38,761,348, C>T on the plus strand (G>A on the coding strand, the complement: SCN10A is on the minus strand). VCF-style: chr3-38761348-C-T. GRCh37 (hg19) VCF-style: chr3-38802839-C-T.
Other names: c.727G>A, p.Val243Met (NM_001293306.2, NM_001293307.2); c.727G>A (NM_006514.3); short protein forms V243M.
Identifiers: ClinVar variation 2625770 (VCV002625770.4), dbSNP rs140292361, ClinGen allele CA2321085.
Genomic context (GRCh38, chr3:38,761,348, plus strand): 5'-CCAAGGCAAAAACACTTAGGCAGAAGATGGTGAGGATGGTCACATCAGCCAGTTTCTTCA[C>T]TGAGTGAATCAGGGCCCCCACAATGACCTTCAGGCCTGCGGGAAGATGACAGTGGTATGA-3'
Protein context (NP_006505.4, residues 233-253): KVIVGALIHS[Val243Met]KKLADVTILT